The following is an entry in ClinVar:

NM_000257.4(MYH7):c.2588T>G (p.Leu863Arg)

Genes: MYH7 (myosin heavy chain 7; minus strand), LOC126861898 (BRD4-independent group 4 enhancer GRCh37_chr14:23893609-23894808; plus strand). Cytogenetic location: 14q11.2.
Variant type: single nucleotide variant.
Coding change: c.2588T>G on transcript NM_000257.4 (MANE Select); coding-DNA position 2588, T replaced by G.
Protein change: p.Leu863Arg; replaces leucine 863 with arginine.
Molecular consequence: missense variant.
Genome position (GRCh38, 1-based): chr14:23,424,860, A>C on the plus strand (T>G on the coding strand, the complement: MYH7 is on the minus strand). VCF-style: chr14-23424860-A-C. GRCh37 (hg19) VCF-style: chr14-23894069-A-C.
Other names: short protein forms L863R.
Identifiers: ClinVar variation 1044862 (VCV001044862.10), dbSNP rs1892629819, ClinGen allele CA389048077.

ClinVar aggregate classification (germline): Uncertain significance (1 of 4 stars; one submission).

Conditions:
Hypertrophic cardiomyopathy. Also called: HYPERTROPHIC MYOCARDIOPATHY. Identifiers: Orphanet 217569, MedGen C0007194, MeSH D002312, MONDO:0005045, HP:0001639.

Submission:

Labcorp Genetics (formerly Invitae), Labcorp
Classification: Uncertain significance for Hypertrophic cardiomyopathy. Last evaluated: 2020-02-02. Review status: criteria provided, single submitter. Criteria: Invitae Variant Classification Sherloc (09022015). Collection method: clinical testing. Allele origin: germline.
Comment: This sequence change replaces leucine with arginine at codon 863 of the MYH7 protein (p.Leu863Arg). The leucine residue is highly conserved and there is a moderate physicochemical difference between leucine and arginine. This variant is not present in population databases (ExAC no frequency). This variant has not been reported in the literature in individuals with MYH7-related conditions. Algorithms developed to predict the effect of missense changes on protein structure and function (SIFT, PolyPhen-2, Align-GVGD) all suggest that this variant is likely to be disruptive, but these predictions have not been confirmed by published functional studies and their clinical significance is uncertain. In summary, the available evidence is currently insufficient to determine the role of this variant in disease. Therefore, it has been classified as a Variant of Uncertain Significance. This variant is found within a region of MYH7 between codons 181 and 937 that contains the majority of the myosin head domain. Missense variants in this region have been shown to be significantly overrepresented in individuals with hypertrophic cardiomyopathy (PMID: 27532257).

Literature cited by the submitters: PubMed 27532257.